The following is an entry in ClinVar:

NM_000059.4(BRCA2):c.1188_1189insTTAG (p.Gln397fs)

Gene: BRCA2 (BRCA2 DNA repair associated; plus strand). Cytogenetic location: 13q13.1.
Variant type: Insertion.
Coding change: c.1188_1189insTTAG on transcript NM_000059.4 (MANE Select); coding-DNA positions 1188 to 1189, TTAG inserted.
Protein change: p.Gln397fs; shifts the reading frame from glutamine 397.
Molecular consequence: frameshift variant.
Genome position: GRCh38 VCF-style: chr13-32332666-T-TTTAG. GRCh37 (hg19) VCF-style: chr13-32906803-T-TTTAG.
Other names: short protein forms Q397fs.
Identifiers: ClinVar variation 548404 (VCV000548404.3), dbSNP rs1555281767, ClinGen allele CA658823683.

ClinVar aggregate classification (germline): Pathogenic (3 of 4 stars; one submission).

Conditions:
Breast-ovarian cancer, familial, susceptibility to, 2 (BROVCA2). Also called: BRCA2 Hereditary Breast and Ovarian Cancer. Identifiers: Orphanet 145, MedGen C2675520, MONDO:0012933, OMIM 612555. Disease mechanism: loss of function.

Submission:

Evidence-based Network for the Interpretation of Germline Mutant Alleles (ENIGMA)
Classification: Pathogenic for Breast-ovarian cancer, familial, susceptibility to, 2. Last evaluated: 2017-12-15. Review status: reviewed by expert panel. Criteria: ENIGMA BRCA1/2 Classification Criteria (2017-06-29). Collection method: curation. Allele origin: germline. Study: ENIGMA.
Comment: Variant allele predicted to encode a truncated non-functional protein.